The following is an entry in ClinVar:

NM_000548.5(TSC2):c.188A>G (p.Gln63Arg)

Gene: TSC2 (TSC complex subunit 2; plus strand). Cytogenetic location: 16p13.3.
Variant type: single nucleotide variant.
Coding change: c.188A>G on transcript NM_000548.5 (MANE Select); coding-DNA position 188, A replaced by G.
Protein change: p.Gln63Arg; replaces glutamine 63 with arginine.
Molecular consequence: missense variant. On other transcripts: 5 prime UTR variant (20), non-coding transcript variant (5).
Genome position (GRCh38, 1-based): chr16:2,050,449, A>G. VCF-style: chr16-2050449-A-G. GRCh37 (hg19) VCF-style: chr16-2100450-A-G.
Other names: c.188A>G, p.Gln63Arg (NM_001077183.3, NM_001114382.3, NM_001318827.2 and 13 more transcripts); c.41A>G, p.Gln14Arg (NM_001318829.2, NM_001406675.1, NM_001406676.1 and 2 more transcripts); c.-39A>G (NM_001318831.2, NM_001406682.1, NM_001406684.1 and 3 more transcripts); c.221A>G, p.Gln74Arg (NM_001318832.2); c.-629A>G (NM_001406683.1, NM_001406687.1, NM_001406680.1); c.-1244A>G (NM_001406689.1, NM_001406690.1, NM_001406691.1 and 2 more transcripts); c.-1550A>G (NM_001406693.1); c.-1125A>G (NM_001406694.1, NM_001406695.1); and 3 more; short protein forms Q14R, Q63R, Q74R.
Identifiers: ClinVar variation 2695172 (VCV002695172.3), dbSNP rs2150996390, ClinGen allele CA394303429.

ClinVar aggregate classification (germline): Uncertain significance (1 of 4 stars; one submission).

Conditions:
Tuberous sclerosis 2 (TSC2). Identifiers: Orphanet 805, MedGen C1860707, MONDO:0013199, OMIM 613254.

Submission:

Labcorp Genetics (formerly Invitae), Labcorp
Classification: Uncertain significance for Tuberous sclerosis 2. Last evaluated: 2024-12-02. Review status: criteria provided, single submitter. Criteria: Invitae Variant Classification Sherloc (09022015). Collection method: clinical testing. Allele origin: germline.
Comment: This sequence change replaces glutamine, which is neutral and polar, with arginine, which is basic and polar, at codon 63 of the TSC2 protein (p.Gln63Arg). This variant is not present in population databases (gnomAD no frequency). This variant has not been reported in the literature in individuals affected with TSC2-related conditions. ClinVar contains an entry for this variant (Variation ID: 2695172). Invitae Evidence Modeling of protein sequence and biophysical properties (such as structural, functional, and spatial information, amino acid conservation, physicochemical variation, residue mobility, and thermodynamic stability) indicates that this missense variant is not expected to disrupt TSC2 protein function with a negative predictive value of 95%. In summary, the available evidence is currently insufficient to determine the role of this variant in disease. Therefore, it has been classified as a Variant of Uncertain Significance.